The following is an entry in ClinVar:

NM_173630.4(RTTN):c.4308A>C (p.Ala1436=)

Gene: RTTN (rotatin; minus strand). Cytogenetic location: 18q22.2.
Variant type: single nucleotide variant.
Coding change: c.4308A>C on transcript NM_173630.4 (MANE Select); coding-DNA position 4308, A replaced by C.
Protein change: p.Ala1436=; no amino-acid change (alanine 1436 retained).
Molecular consequence: synonymous variant.
Genome position (GRCh38, 1-based): chr18:70,086,679, T>G on the plus strand (A>C on the coding strand, the complement: RTTN is on the minus strand). VCF-style: chr18-70086679-T-G. GRCh37 (hg19) VCF-style: chr18-67753915-T-G.
Other names: c.1572A>C, p.Ala524= (NM_001318520.2).
Identifiers: ClinVar variation 4822708 (VCV004822708.4).
Genomic context (GRCh38, chr18:70,086,679, plus strand): 5'-AGTATAATCCTTTATAATTTCTGTAGGCATTGGAATTACAAGGAGATTCTGAAGAATAAA[T>G]GCCGCCTGAAAATGTAAAAAAAAAAAAAAAAAAAAAAAAAAAAAAAAAAAAAAAGGTCAA-3'
Protein context (NP_775901.3, residues 1426-1446): SECSMVRREA[Ala1436=]FILQNLLVIP

ClinVar aggregate classification (germline): Likely benign (1 of 4 stars; one submission).

gnomAD v4.1: 4 of 1,228,796 alleles (0.00033%); highest among the groups gnomAD compares: Non-Finnish European, 0.00043%; no homozygotes.

Submission:

CeGaT Center for Human Genetics Tuebingen
Classification: Likely benign. Last evaluated: 2026-01-01. Review status: criteria provided, single submitter. Criteria: CeGaT Center For Human Genetics Tuebingen Variant Classification Criteria Version 2. Collection method: clinical testing. Allele origin: germline. Affected: yes. Observed: 2 variant alleles.
Comment: RTTN: BP4, BP7